The following is an entry in ClinVar:

NM_175875.5(SIX5):c.1042C>T (p.Leu348=)

Genes: SIX5 (SIX homeobox 5; minus strand), LOC107075317 (origin of replication in DMPK trinucleotide repeat region; plus strand). Cytogenetic location: 19q13.32.
Variant type: single nucleotide variant.
Coding change: c.1042C>T on transcript NM_175875.5 (MANE Select); coding-DNA position 1042, C replaced by T.
Protein change: p.Leu348=; no amino-acid change (leucine 348 retained).
Molecular consequence: synonymous variant.
Genome position (GRCh38, 1-based): chr19:45,766,917, G>A on the plus strand (C>T on the coding strand, the complement: SIX5 is on the minus strand). VCF-style: chr19-45766917-G-A. GRCh37 (hg19) VCF-style: chr19-46270175-G-A.
Identifiers: ClinVar variation 668435 (VCV000668435.17), dbSNP rs779368770, ClinGen allele CA9520685.

ClinVar aggregate classification (germline): Benign/Likely benign. Review status: criteria provided, multiple submitters, no conflicts (2 of 4 stars). 6 submissions from 6 submitters: Benign (1); Likely benign (4). 1 of the submissions does not count toward it. Last evaluated 2026-01-19.

Conditions:
Branchiootorenal syndrome 2 (BOR2). Identifiers: Orphanet 107, MedGen C1970479, MONDO:0012575, OMIM 610896.
SIX5-related disorder. Also called: SIX5-related condition.

Allele frequency attached by ClinVar (database versions not stated): gnomAD exomes 0.00009 and 0.00062; gnomAD 0.00013 and 0.00014; TOPMed 0.00034; ExAC 0.00088.
gnomAD v4.1: 142 of 1,560,186 alleles (0.0091%); highest among the groups gnomAD compares: Admixed American, 0.26%; no homozygotes.

Submissions (6):

Labcorp Genetics (formerly Invitae), Labcorp
Classification: Benign. Last evaluated: 2026-01-19. Review status: criteria provided, single submitter. Criteria: Invitae Variant Classification Sherloc (09022015). Collection method: clinical testing. Allele origin: germline.

CeGaT Center for Human Genetics Tuebingen
Classification: Likely benign. Last evaluated: 2026-01-01. Review status: criteria provided, single submitter. Criteria: CeGaT Center For Human Genetics Tuebingen Variant Classification Criteria Version 2. Collection method: clinical testing. Allele origin: germline. Affected: yes. Observed: 1 variant allele.
Comment: SIX5: BP4, BP7

Fulgent Genetics
Classification: Likely benign for Branchiootorenal syndrome 2. Last evaluated: 2021-10-27. Review status: criteria provided, single submitter. Criteria: ACMG Guidelines, 2015. Collection method: clinical testing. Allele origin: unknown.

Blueprint Genetics
Classification: Likely benign. Last evaluated: 2021-07-05. Review status: criteria provided, single submitter. Criteria: ACMG Guidelines, 2015. Collection method: clinical testing. Allele origin: germline.

GeneDx
Classification: Likely benign. Last evaluated: 2018-06-08. Review status: criteria provided, single submitter. Criteria: GeneDx Variant Classification (06012015). Collection method: clinical testing. Allele origin: germline. Affected: yes.
Comment: This variant is considered likely benign or benign based on one or more of the following criteria: it is a conservative change, it occurs at a poorly conserved position in the protein, it is predicted to be benign by multiple in silico algorithms, and/or has population frequency not consistent with disease.

PreventionGenetics, part of Exact Sciences
Classification: Likely benign for SIX5-related condition. Last evaluated: 2019-03-11. Review status: no assertion criteria provided. Collection method: clinical testing. Allele origin: germline. Not counted in ClinVar's aggregate classification.
Comment: This variant is classified as likely benign based on ACMG/AMP sequence variant interpretation guidelines (Richards et al. 2015 PMID: 25741868, with internal and published modifications).